The following is an entry in ClinVar:

ClinVar aggregate classification (germline): Uncertain significance (1 of 4 stars; one submission).

Allele frequency attached by ClinVar (database versions not stated): gnomAD 0.00001; gnomAD exomes 0.00001; TOPMed 0.00001; ExAC 0.00002; ESP Exome Variant Server 0.00015; 1000 Genomes Project 30x 0.00016; 1000 Genomes Project 0.00020.

Submission:

Labcorp Genetics (formerly Invitae), Labcorp
Classification: Uncertain significance. Last evaluated: 2022-08-30. Review status: criteria provided, single submitter. Criteria: Invitae Variant Classification Sherloc (09022015). Collection method: clinical testing. Allele origin: germline.
Comment: In summary, the available evidence is currently insufficient to determine the role of this variant in disease. Therefore, it has been classified as a Variant of Uncertain Significance. Algorithms developed to predict the effect of missense changes on protein structure and function (SIFT, PolyPhen-2, Align-GVGD) all suggest that this variant is likely to be tolerated. This variant has not been reported in the literature in individuals affected with MRPL12-related conditions. This sequence change replaces arginine, which is basic and polar, with glutamine, which is neutral and polar, at codon 127 of the MRPL12 protein (p.Arg127Gln). This variant is present in population databases (rs138906816, gnomAD 0.007%).

NM_002949.4(MRPL12):c.380G>A (p.Arg127Gln)

Gene: MRPL12 (mitochondrial ribosomal protein L12; plus strand). Cytogenetic location: 17q25.3.
Variant type: single nucleotide variant.
Coding change: c.380G>A on transcript NM_002949.4 (MANE Select); coding-DNA position 380, G replaced by A.
Protein change: p.Arg127Gln; replaces arginine 127 with glutamine.
Molecular consequence: missense variant.
Genome position (GRCh38, 1-based): chr17:81,706,940, G>A. VCF-style: chr17-81706940-G-A. GRCh37 (hg19) VCF-style: chr17-79673970-G-A.
Other names: short protein forms R127Q.
Identifiers: ClinVar variation 2084220 (VCV002084220.4), dbSNP rs138906816, ClinGen allele CA8841372.